The following is an entry in ClinVar:

ClinVar aggregate classification (germline): Uncertain significance (1 of 4 stars; one submission).

Conditions:
Spermatogenic Failure. Identifiers: MedGen C3553794, MONDO:0004983.

Submission:

Conrad Lab, Oregon Health and Science University
Classification: Uncertain significance for Spermatogenic Failure. Last evaluated: 2026-09-29. Review status: criteria provided, single submitter. Criteria: ACMG Guidelines, 2015. Collection method: research. Allele origin: germline. Affected: yes. Observed: 1 variant allele. Study: GEMINI.
Comment: Although the region contains genes important for spermatogenesis, evidence for the effects of increased dosage is insufficient to establish causality. Exact structure, insertion site and observed copy number are unresolved. The author-reviewed classification is Uncertain significance for spermatogenic failure, superseding the manuscript discussion of likely pathogenicity.

Single allele

Genes: RBMY1B (RNA binding motif protein Y-linked family 1 member B; plus strand), RBMY1D (RNA binding motif protein Y-linked family 1 member D; minus strand), RBMY1E (RNA binding motif protein Y-linked family 1 member E; minus strand), RBMY1F (RNA binding motif protein Y-linked family 1 member F; minus strand), RBMY1J (RNA binding motif protein Y-linked family 1 member J; plus strand) and 52 more. Cytogenetic location: Yq11.222-11.23.
Variant type: Duplication.
Identifiers: ClinVar variation 5021141 (VCV005021141.1).